The following is an entry in ClinVar:

NM_033409.4(SLC52A3):c.907A>C (p.Ile303Leu)

Gene: SLC52A3 (solute carrier family 52 member 3; minus strand). Cytogenetic location: 20p13.
Variant type: single nucleotide variant.
Coding change: c.907A>C on transcript NM_033409.4 (MANE Select); coding-DNA position 907, A replaced by C.
Protein change: p.Ile303Leu; replaces isoleucine 303 with leucine.
Molecular consequence: missense variant.
Genome position (GRCh38, 1-based): chr20:763,664, T>G on the plus strand (A>C on the coding strand, the complement: SLC52A3 is on the minus strand). VCF-style: chr20-763664-T-G. GRCh37 (hg19) VCF-style: chr20-744308-T-G.
Other names: c.907A>C, p.Ile303Leu (NM_001370085.1, NM_001370086.1); short protein forms I303L.
Identifiers: ClinVar variation 2663378 (VCV002663378.1), dbSNP rs3746802, ClinGen allele CA407962849.
Genomic context (GRCh38, chr20:763,664, plus strand): 5'-TCTGCACAGAGGGCAGCATGCCGTTGGTGAGCGCGTTGACGAAGGCCACCAGGGTATAGA[T>G]GAAGGCCAGGTGCGCCGGGCAGCAGGGGGCTGCTTTCTCCTCTAGATACCCCTGGCCCTG-3'
Protein context (NP_212134.3, residues 293-313): APCCPAHLAF[Ile303Leu]YTLVAFVNAL

ClinVar aggregate classification (germline): Uncertain significance (1 of 4 stars; one submission).

Submission:

GeneDx
Classification: Uncertain significance. Last evaluated: 2023-05-07. Review status: criteria provided, single submitter. Criteria: GeneDx Variant Classification Process June 2021. Collection method: clinical testing. Allele origin: germline. Affected: yes.
Comment: Not observed at significant frequency in large population cohorts (gnomAD); In silico analysis supports that this missense variant does not alter protein structure/function; Has not been previously published as pathogenic or benign to our knowledge